The following is an entry in ClinVar:

ClinVar aggregate classification (germline): Uncertain significance (1 of 4 stars; one submission).

Allele frequency attached by ClinVar (database versions not stated): gnomAD exomes below 0.00001.
gnomAD v4.1: 2 of 1,613,156 alleles (0.00012%); highest among the groups gnomAD compares: African/African-American, 0.0013%; no homozygotes.

Submission:

Labcorp Genetics (formerly Invitae), Labcorp
Classification: Uncertain significance. Last evaluated: 2022-02-04. Review status: criteria provided, single submitter. Criteria: Invitae Variant Classification Sherloc (09022015). Collection method: clinical testing. Allele origin: germline.
Comment: This variant has not been reported in the literature in individuals affected with RGS9-related conditions. This variant is present in population databases (no rsID available, gnomAD 0.0009%). This sequence change replaces aspartic acid, which is acidic and polar, with glycine, which is neutral and non-polar, at codon 369 of the RGS9 protein (p.Asp369Gly). ClinVar contains an entry for this variant (Variation ID: 943057). In summary, the available evidence is currently insufficient to determine the role of this variant in disease. Therefore, it has been classified as a Variant of Uncertain Significance. Algorithms developed to predict the effect of missense changes on protein structure and function (SIFT, PolyPhen-2, Align-GVGD) all suggest that this variant is likely to be disruptive.

NM_003835.4(RGS9):c.1106A>G (p.Asp369Gly)

Gene: RGS9 (regulator of G protein signaling 9; plus strand). Cytogenetic location: 17q24.1.
Variant type: single nucleotide variant.
Coding change: c.1106A>G on transcript NM_003835.4 (MANE Select); coding-DNA position 1106, A replaced by G.
Protein change: p.Asp369Gly; replaces aspartic acid 369 with glycine.
Molecular consequence: missense variant.
Genome position (GRCh38, 1-based): chr17:65,204,204, A>G. VCF-style: chr17-65204204-A-G. GRCh37 (hg19) VCF-style: chr17-63200322-A-G.
Other names: c.1097A>G, p.Asp366Gly (NM_001081955.3, NM_001165933.2); short protein forms D366G, D369G.
Identifiers: ClinVar variation 943057 (VCV000943057.9), dbSNP rs1333244428, ClinGen allele CA400670044.
Genomic context (GRCh38, chr17:65,204,204, plus strand): 5'-CATCTCCCTCCCACCCCAGGCTGTTCCTGGCCCCGGGGGCGAGGCGCTGGATCAACATAG[A>G]TGGCAAAACCATGGACATCACAGTGAAGGGGCTGAAGCACCCCCACCGCTATGTGCTGGA-3'
Protein context (NP_003826.2, residues 359-379): APGARRWINI[Asp369Gly]GKTMDITVKG